The following is an entry in ClinVar:

ClinVar aggregate classification (germline): Pathogenic (1 of 4 stars; one submission).

Conditions:
Peutz-Jeghers syndrome (PJS). Also called: POLYPOSIS, HAMARTOMATOUS INTESTINAL; POLYPS-AND-SPOTS SYNDROME; Peutz-Jeghers polyposis; Periorificial lentiginosis syndrome. Identifiers: Orphanet 2869, MedGen C0031269, MeSH D010580, MONDO:0008280, OMIM 175200.

Submission:

Labcorp Genetics (formerly Invitae), Labcorp
Classification: Pathogenic for Peutz-Jeghers syndrome. Last evaluated: 2018-08-22. Review status: criteria provided, single submitter. Criteria: Invitae Variant Classification Sherloc (09022015). Collection method: clinical testing. Allele origin: germline.
Comment: This sequence change creates a premature translational stop signal (p.Pro254Valfs*13) in the STK11 gene. It is expected to result in an absent or disrupted protein product. This variant is not present in population databases (ExAC no frequency). This variant has not been reported in the literature in individuals with STK11-related disease. Loss-of-function variants in STK11 are known to be pathogenic (PMID: 15188174, 16287113). For these reasons, this variant has been classified as Pathogenic.

Literature cited by the submitters: PubMed 15188174; PubMed 16287113.

NM_000455.5(STK11):c.755_758dup (p.Pro254fs)

Gene: STK11 (serine/threonine kinase 11; plus strand). Cytogenetic location: 19p13.3.
Variant type: Duplication.
Coding change: c.755_758dup on transcript NM_000455.5 (MANE Select); coding-DNA positions 755 to 758, 4 bases duplicated (TGTA; older notation c.755_758dupTGTA).
Protein change: p.Pro254fs; shifts the reading frame from proline 254.
Molecular consequence: frameshift variant.
Genome position (GRCh38, 1-based): chr19:1,221,233-1,221,236, TGTA duplicated. VCF-style (leftmost placement, unchanged base first): chr19-1221232-C-CTGTA. GRCh37 (hg19) VCF-style: chr19-1221231-C-CTGTA.
Other names: c.755_758dupTGTA (NM_000455.4); short protein forms P254fs.
Identifiers: ClinVar variation 644482 (VCV000644482.6), dbSNP rs1599927564, ClinGen allele CA915951585.